The following is an entry in ClinVar:

NM_001943.5(DSG2):c.31C>T (p.Leu11=)

Genes: DSG2 (desmoglein 2; plus strand), LOC130062340 (ATAC-STARR-seq lymphoblastoid silent region 9384; plus strand). Cytogenetic location: 18q12.1.
Variant type: single nucleotide variant.
Coding change: c.31C>T on transcript NM_001943.5 (MANE Select); coding-DNA position 31, C replaced by T.
Protein change: p.Leu11=; no amino-acid change (leucine 11 retained).
Molecular consequence: synonymous variant.
Genome position (GRCh38, 1-based): chr18:31,498,282, C>T. VCF-style: chr18-31498282-C-T. GRCh37 (hg19) VCF-style: chr18-29078245-C-T.
Identifiers: ClinVar variation 762484 (VCV000762484.15), dbSNP rs1220091298, ClinGen allele CA503595758.

ClinVar aggregate classification (germline): Likely benign. Review status: criteria provided, multiple submitters, no conflicts (2 of 4 stars). 4 submissions from 4 submitters: Likely benign (4). Last evaluated 2025-05-12.

Conditions:
Cardiovascular phenotype. Identifiers: MedGen CN230736.
Arrhythmogenic right ventricular cardiomyopathy (ARVD). Also called: Cardiomyopathy, ARVC; Arrhythmogenic right ventricular dysplasia; Arrhythmogenic cardiomyopathy; Arrhythmogenic Right Ventricular Cardiomyopathy (ARVC). Identifiers: Orphanet 247, MedGen C0349788, MeSH D019571, MONDO:0016587. Disease mechanism: loss of function. Inheritance: Various modes of inheritance.
Cardiomyopathy (CMYO). Also called: Cardiomyopathies. Identifiers: Orphanet 167848, MedGen C0878544, MONDO:0004994, HP:0001638. Inheritance: Various modes of inheritance.
Arrhythmogenic right ventricular dysplasia 10. Also called: Arrhythmogenic Right Ventricular Dysplasia/Cardiomyopathy10; ARRHYTHMOGENIC RIGHT VENTRICULAR DYSPLASIA, FAMILIAL, 10; Arrhythmogenic right ventricular dysplasia/cardiomyopathy, type 10. Identifiers: MedGen C1857777, MONDO:0012434, OMIM 610193.

Allele frequency attached by ClinVar (database versions not stated): gnomAD 0.00001; TOPMed 0.00001.

Submissions (4):

Labcorp Genetics (formerly Invitae), Labcorp
Classification: Likely benign for Arrhythmogenic right ventricular dysplasia 10. Last evaluated: 2025-05-12. Review status: criteria provided, single submitter. Criteria: Invitae Variant Classification Sherloc (09022015). Collection method: clinical testing. Allele origin: germline.

All of Us Research Program, National Institutes of Health
Classification: Likely benign for Arrhythmogenic right ventricular cardiomyopathy. Last evaluated: 2024-06-11. Review status: criteria provided, single submitter. Criteria: ACMG Guidelines, 2015. Collection method: clinical testing. Allele origin: germline. Inheritance: Autosomal dominant inheritance. Observed: 1 variant allele, 1 heterozygote.
Comment: This study involves interpretation of variants in research participants for the purpose of population health screening. Participant phenotype was not available at the time of variant classification. Additional details can be found in publication PMID: 35346344, PMCID: PMC8962531

Ambry Genetics
Classification: Likely benign for Cardiovascular phenotype. Last evaluated: 2020-10-06. Review status: criteria provided, single submitter. Criteria: Ambry Variant Classification Scheme 2023. Collection method: clinical testing. Allele origin: germline.

Color Diagnostics, LLC DBA Color Health
Classification: Likely benign for Cardiomyopathy. Last evaluated: 2018-12-03. Review status: criteria provided, single submitter. Criteria: ACMG Guidelines, 2015. Collection method: clinical testing. Allele origin: germline.